The following is an entry in ClinVar:

NC_000011.9:g.(?_76368567)_(76381019_?)del

Gene: LRRC32 (leucine rich repeat containing 32; minus strand). Cytogenetic location: 11q13.5.
Variant type: Deletion.
Identifiers: ClinVar variation 3907413 (VCV003907413.1).

ClinVar aggregate classification (germline): Uncertain significance (1 of 4 stars; one submission).

Submission:

Women's Health and Genetics/Laboratory Corporation of America, LabCorp
Classification: Uncertain significance. Last evaluated: 2025-06-03. Review status: criteria provided, single submitter. Criteria: LabCorp Variant Classification Summary - May 2015. Collection method: clinical testing. Allele origin: germline.
Comment: Variant summary: The variant involves the deletion of exons 1-3 in the LRRC32 gene. A presumed nomenclature of c.(?_-218)_(*2081_?)del has been designated for the purposes of this classification. This deletion includes the entire coding sequence of the gene. As the exact proximal and distal breakpoints are unknown, it may extend beyond the annotated region of the gene to include other flanking genes. Current evidence is not sufficient to establish loss of function as a mechanism for disease. The frequency of this variant in the general population could not be determined as the technology used for large population databases (ExAC, gnomAD, ESP, 1000G) cannot detect variants of this type. The available data on variant occurrences in the general population are insufficient to allow any conclusion about variant significance. To our knowledge, no occurrence of c.(?_-218)_(*2081_?)del in individuals affected with Cleft Palate, Proliferative Retinopathy, And Developmental Delay and no experimental evidence demonstrating its impact on protein function have been reported. No submitters have cited clinical-significance assessments for this variant to ClinVar. Based on the evidence outlined above, the variant was classified as uncertain significance.